The following is an entry in ClinVar:

ClinVar aggregate classification (germline): Conflicting classifications of pathogenicity. Review status: criteria provided, conflicting classifications (1 of 4 stars). 8 submissions from 7 submitters: Uncertain significance (3); Likely benign (2). 3 of the submissions do not count toward it. Last evaluated 2026-01-09.

Conditions:
SDCCAG8-related disorder. Also called: SDCCAG8-related condition; SDCCAG8-Related Disorders.
Senior-Loken syndrome 7 (SLSN7). Identifiers: Orphanet 3156, MedGen C3150877, MONDO:0013326, OMIM 613615.
Bardet-Biedl syndrome 16 (BBS16). Identifiers: Orphanet 110, MedGen C3889474, MONDO:0014444, OMIM 615993.

Allele frequency attached by ClinVar (database versions not stated): TOPMed 0.00020.
gnomAD v4.1: 577 of 1,613,926 alleles (0.036%); highest among the groups gnomAD compares: Non-Finnish European, 0.047%; 2 homozygotes.

Submissions (8):

Labcorp Genetics (formerly Invitae), Labcorp
Classification: Likely benign for Bardet-Biedl syndrome 16; Senior-Loken syndrome 7. Last evaluated: 2026-01-09. Review status: criteria provided, single submitter. Criteria: Invitae Variant Classification Sherloc (09022015). Collection method: clinical testing. Allele origin: germline.

Blueprint Genetics
Classification: Likely benign. Last evaluated: 2024-06-06. Review status: criteria provided, single submitter. Criteria: ACMG Guidelines, 2015. Collection method: clinical testing. Allele origin: germline.

Illumina Laboratory Services, Illumina
Classification: Uncertain significance for Senior-Loken syndrome 7. Last evaluated: 2018-01-13. Review status: criteria provided, single submitter. Criteria: ICSL Variant Classification Criteria 13 December 2019. Collection method: clinical testing. Allele origin: germline.

Illumina Laboratory Services, Illumina
Classification: Uncertain significance for Bardet-Biedl syndrome 16. Last evaluated: 2018-01-13. Review status: criteria provided, single submitter. Criteria: ICSL Variant Classification Criteria 13 December 2019. Collection method: clinical testing. Allele origin: germline.

Eurofins Ntd Llc (ga)
Classification: Uncertain significance. Last evaluated: 2015-11-06. Review status: criteria provided, single submitter. Criteria: EGL Classification Definitions 2015. Collection method: clinical testing. Allele origin: germline. Observed: 1 variant allele, 1 heterozygote.

PreventionGenetics, part of Exact Sciences
Classification: Likely benign for SDCCAG8-related condition. Last evaluated: 2019-08-28. Review status: no assertion criteria provided. Collection method: clinical testing. Allele origin: germline. Not counted in ClinVar's aggregate classification.
Comment: This variant is classified as likely benign based on ACMG/AMP sequence variant interpretation guidelines (Richards et al. 2015 PMID: 25741868, with internal and published modifications).

Clinical Genetics DNA and cytogenetics Diagnostics Lab, Erasmus MC, Erasmus Medical Center
Classification: Likely benign. Review status: no assertion criteria provided. Collection method: clinical testing. Allele origin: germline. Affected: yes. Study: VKGL Data-share Consensus. Not counted in ClinVar's aggregate classification.

Clinical Genetics, Academic Medical Center
Classification: Likely benign. Review status: no assertion criteria provided. Collection method: clinical testing. Allele origin: germline. Affected: yes. Study: VKGL Data-share Consensus. Not counted in ClinVar's aggregate classification.

NM_006642.5(SDCCAG8):c.597C>A (p.Gly199=)

Gene: SDCCAG8 (SHH signaling and ciliogenesis regulator SDCCAG8; plus strand). Cytogenetic location: 1q43.
Variant type: single nucleotide variant.
Coding change: c.597C>A on transcript NM_006642.5 (MANE Select); coding-DNA position 597, C replaced by A.
Protein change: p.Gly199=; no amino-acid change (glycine 199 retained).
Molecular consequence: synonymous variant. On other transcripts: 5 prime UTR variant (3).
Genome position (GRCh38, 1-based): chr1:243,293,141, C>A. VCF-style: chr1-243293141-C-A. GRCh37 (hg19) VCF-style: chr1-243456443-C-A.
Other names: c.-516C>A (NM_001350246.2); c.-404C>A (NM_001350247.2); c.597C>A, p.Gly199= (NM_001350248.2); c.303C>A, p.Gly101= (NM_001350249.2); c.-777C>A (NM_001350251.2).
Identifiers: ClinVar variation 284421 (VCV000284421.25), dbSNP rs143407309, ClinGen allele CA1483357.